The following is an entry in ClinVar:

ClinVar aggregate classification (germline): Uncertain significance (1 of 4 stars; one submission).

Submission:

Labcorp Genetics (formerly Invitae), Labcorp
Classification: Uncertain significance. Last evaluated: 2020-12-21. Review status: criteria provided, single submitter. Criteria: Invitae Variant Classification Sherloc (09022015). Collection method: clinical testing. Allele origin: germline.
Comment: This sequence change replaces serine with threonine at codon 16 of the MTOR protein (p.Ser16Thr). The serine residue is moderately conserved and there is a small physicochemical difference between serine and threonine. This variant is not present in population databases (ExAC no frequency). In summary, the available evidence is currently insufficient to determine the role of this variant in disease. Therefore, it has been classified as a Variant of Uncertain Significance. Advanced modeling of protein sequence and biophysical properties (such as structural, functional, and spatial information, amino acid conservation, physicochemical variation, residue mobility, and thermodynamic stability) performed at Invitae indicates that this missense variant is not expected to disrupt MTOR protein function. This variant has not been reported in the literature in individuals with MTOR-related conditions.

NM_004958.4(MTOR):c.46T>A (p.Ser16Thr)

Gene: MTOR (mechanistic target of rapamycin kinase; minus strand). Cytogenetic location: 1p36.22.
Variant type: single nucleotide variant.
Coding change: c.46T>A on transcript NM_004958.4 (MANE Select); coding-DNA position 46, T replaced by A.
Protein change: p.Ser16Thr; replaces serine 16 with threonine.
Molecular consequence: missense variant. On other transcripts: 5 prime UTR variant (1).
Genome position (GRCh38, 1-based): chr1:11,259,364, A>T on the plus strand (T>A on the coding strand, the complement: MTOR is on the minus strand). VCF-style: chr1-11259364-A-T. GRCh37 (hg19) VCF-style: chr1-11319421-A-T.
Other names: c.46T>A, p.Ser16Thr (NM_001386500.1); c.-1094T>A (NM_001386501.1); short protein forms S16T.
Identifiers: ClinVar variation 1038997 (VCV001038997.8), dbSNP rs1650818986, ClinGen allele CA338405435.